The following is an entry in ClinVar:

ClinVar aggregate classification (germline): Uncertain significance (1 of 4 stars; one submission).

Conditions:
Cardiovascular phenotype. Identifiers: MedGen CN230736.

Submission:

Ambry Genetics
Classification: Uncertain significance for Cardiovascular phenotype. Last evaluated: 2026-02-15. Review status: criteria provided, single submitter. Criteria: Ambry Variant Classification Scheme 2023. Collection method: clinical testing. Allele origin: germline.
Comment: The p.L1203V variant (also known as c.3607C>G), located in coding exon 20 of the SCN10A gene, results from a C to G substitution at nucleotide position 3607. The leucine at codon 1203 is replaced by valine, an amino acid with highly similar properties. This amino acid position is conserved. In addition, the in silico prediction for this alteration is inconclusive. Based on the available evidence, the clinical significance of this variant remains unclear.

NM_006514.4(SCN10A):c.3607C>G (p.Leu1203Val)

Gene: SCN10A (sodium voltage-gated channel alpha subunit 10; minus strand). Cytogenetic location: 3p22.2.
Variant type: single nucleotide variant.
Coding change: c.3607C>G on transcript NM_006514.4 (MANE Select); coding-DNA position 3607, C replaced by G.
Protein change: p.Leu1203Val; replaces leucine 1203 with valine.
Molecular consequence: missense variant.
Genome position (GRCh38, 1-based): chr3:38,718,727, G>C on the plus strand (C>G on the coding strand, the complement: SCN10A is on the minus strand). VCF-style: chr3-38718727-G-C. GRCh37 (hg19) VCF-style: chr3-38760218-G-C.
Other names: c.3604C>G, p.Leu1202Val (NM_001293306.2); c.3313C>G, p.Leu1105Val (NM_001293307.2); short protein forms L1105V, L1202V, L1203V.
Identifiers: ClinVar variation 4844715 (VCV004844715.1).